The following is an entry in ClinVar:

ClinVar aggregate classification (germline): Uncertain significance (1 of 4 stars; one submission).

Submission:

Labcorp Genetics (formerly Invitae), Labcorp
Classification: Uncertain significance. Last evaluated: 2022-09-27. Review status: criteria provided, single submitter. Criteria: Invitae Variant Classification Sherloc (09022015). Collection method: clinical testing. Allele origin: germline.
Comment: This sequence change replaces isoleucine, which is neutral and non-polar, with lysine, which is basic and polar, at codon 1387 of the TRPM1 protein (p.Ile1387Lys). This variant is not present in population databases (gnomAD no frequency). This variant has not been reported in the literature in individuals affected with TRPM1-related conditions. ClinVar contains an entry for this variant (Variation ID: 965783). Advanced modeling of protein sequence and biophysical properties (such as structural, functional, and spatial information, amino acid conservation, physicochemical variation, residue mobility, and thermodynamic stability) has been performed at Invitae for this missense variant, however the output from this modeling did not meet the statistical confidence thresholds required to predict the impact of this variant on TRPM1 protein function. In summary, the available evidence is currently insufficient to determine the role of this variant in disease. Therefore, it has been classified as a Variant of Uncertain Significance.

NM_001252024.2(TRPM1):c.4226T>A (p.Ile1409Lys)

Gene: TRPM1 (transient receptor potential cation channel subfamily M member 1; minus strand). Cytogenetic location: 15q13.3.
Variant type: single nucleotide variant.
Coding change: c.4226T>A on transcript NM_001252024.2 (MANE Select); coding-DNA position 4226, T replaced by A.
Protein change: p.Ile1409Lys; replaces isoleucine 1409 with lysine.
Molecular consequence: missense variant.
Genome position (GRCh38, 1-based): chr15:31,002,474, A>T on the plus strand (T>A on the coding strand, the complement: TRPM1 is on the minus strand). VCF-style: chr15-31002474-A-T. GRCh37 (hg19) VCF-style: chr15-31294677-A-T.
Other names: c.4277T>A, p.Ile1426Lys (NM_001252020.2); c.4160T>A, p.Ile1387Lys (NM_002420.6); short protein forms I1426K, I1387K, I1409K.
Identifiers: ClinVar variation 965783 (VCV000965783.10), dbSNP rs2031815916, ClinGen allele CA391526923.